The following is an entry in ClinVar:

NM_000273.3(GPR143):c.776C>T (p.Ser259Leu)

Gene: GPR143 (G protein-coupled receptor 143; minus strand). Cytogenetic location: Xp22.2.
Variant type: single nucleotide variant.
Coding change: c.776C>T on transcript NM_000273.3 (MANE Select); coding-DNA position 776, C replaced by T.
Protein change: p.Ser259Leu; replaces serine 259 with leucine.
Molecular consequence: missense variant.
Genome position (GRCh38, 1-based): chrX:9,741,447, G>A on the plus strand (C>T on the coding strand, the complement: GPR143 is on the minus strand). VCF-style: chrX-9741447-G-A. GRCh37 (hg19) VCF-style: chrX-9709487-G-A.
Other names: short protein forms S259L.
Identifiers: ClinVar variation 2065995 (VCV002065995.4), dbSNP rs1327321497, ClinGen allele CA411996209.
Genomic context (GRCh38, chrX:9,741,447, plus strand): 5'-CCTCCATTGATATCTGTTTGCATCTCAAGATAGAATAAAAGGCTTTCATTGATGATATTC[G>A]ACAACCAACTGTTAGAAAGAAAATGGCAGCAGGTAAAGAGAACATGCAATGAAACTCGTT-3'
Protein context (NP_000264.2, residues 249-269): IMLVLIICWL[Ser259Leu]NIINESLLFY

ClinVar aggregate classification (germline): Uncertain significance (1 of 4 stars; one submission).

Allele frequency attached by ClinVar (database versions not stated): gnomAD 0.00001; TOPMed 0.00002.

Submission:

Labcorp Genetics (formerly Invitae), Labcorp
Classification: Uncertain significance. Last evaluated: 2022-11-01. Review status: criteria provided, single submitter. Criteria: Invitae Variant Classification Sherloc (09022015). Collection method: clinical testing. Allele origin: germline.
Comment: In summary, the available evidence is currently insufficient to determine the role of this variant in disease. Therefore, it has been classified as a Variant of Uncertain Significance. Advanced modeling of protein sequence and biophysical properties (such as structural, functional, and spatial information, amino acid conservation, physicochemical variation, residue mobility, and thermodynamic stability) performed at Invitae indicates that this missense variant is expected to disrupt GPR143 protein function. This variant has not been reported in the literature in individuals affected with GPR143-related conditions. This variant is not present in population databases (gnomAD no frequency). This sequence change replaces serine, which is neutral and polar, with leucine, which is neutral and non-polar, at codon 259 of the GPR143 protein (p.Ser259Leu).